The following is an entry in ClinVar:

NM_024422.6(DSC2):c.311A>T (p.Gln104Leu)

Gene: DSC2 (desmocollin 2; minus strand). Cytogenetic location: 18q12.1.
Variant type: single nucleotide variant.
Coding change: c.311A>T on transcript NM_024422.6 (MANE Select); coding-DNA position 311, A replaced by T.
Protein change: p.Gln104Leu; replaces glutamine 104 with leucine.
Molecular consequence: missense variant.
Genome position (GRCh38, 1-based): chr18:31,092,144, T>A on the plus strand (A>T on the coding strand, the complement: DSC2 is on the minus strand). VCF-style: chr18-31092144-T-A. GRCh37 (hg19) VCF-style: chr18-28672107-T-A.
Other names: c.311A>T, p.Gln104Leu (NM_004949.5); short protein forms Q104L.
Identifiers: ClinVar variation 1010273 (VCV001010273.9), dbSNP rs1987621652, ClinGen allele CA402114654.

ClinVar aggregate classification (germline): Uncertain significance (1 of 4 stars; one submission).

Conditions:
Arrhythmogenic right ventricular dysplasia 11. Also called: Arrhythmogenic Right Ventricular Dysplasia/Cardiomyopathy11; ARRHYTHMOGENIC RIGHT VENTRICULAR DYSPLASIA, FAMILIAL, 11; Arrhythmogenic right ventricular dysplasia 11 with mild palmoplantar keratoderma and woolly hair. Identifiers: MedGen C1864850, MONDO:0012506, OMIM 610476.

Submission:

Labcorp Genetics (formerly Invitae), Labcorp
Classification: Uncertain significance for Arrhythmogenic right ventricular dysplasia 11. Last evaluated: 2020-01-14. Review status: criteria provided, single submitter. Criteria: Invitae Variant Classification Sherloc (09022015). Collection method: clinical testing. Allele origin: germline.
Comment: Algorithms developed to predict the effect of missense changes on protein structure and function output the following: SIFT: "Tolerated"; PolyPhen-2: "Benign"; Align-GVGD: "Class C0". The leucine amino acid residue is found in multiple mammalian species, suggesting that this missense change does not adversely affect protein function. These predictions have not been confirmed by published functional studies and their clinical significance is uncertain. This variant has not been reported in the literature in individuals with DSC2-related conditions. This variant is not present in population databases (ExAC no frequency). This sequence change replaces glutamine with leucine at codon 104 of the DSC2 protein (p.Gln104Leu). The glutamine residue is moderately conserved and there is a moderate physicochemical difference between glutamine and leucine. In summary, the available evidence is currently insufficient to determine the role of this variant in disease. Therefore, it has been classified as a Variant of Uncertain Significance.